The following is an entry in ClinVar:

NM_005898.5(CAPRIN1):c.1187A>G (p.Asn396Ser)

Gene: CAPRIN1 (cell cycle associated protein 1; plus strand). Cytogenetic location: 11p13.
Variant type: single nucleotide variant.
Coding change: c.1187A>G on transcript NM_005898.5 (MANE Select); coding-DNA position 1187, A replaced by G.
Protein change: p.Asn396Ser; replaces asparagine 396 with serine.
Molecular consequence: missense variant.
Genome position (GRCh38, 1-based): chr11:34,086,369, A>G. VCF-style: chr11-34086369-A-G. GRCh37 (hg19) VCF-style: chr11-34107916-A-G.
Other names: c.1187A>G, p.Asn396Ser (NM_203364.3); short protein forms N396S.
Identifiers: ClinVar variation 4988232 (VCV004988232.1).
Genomic context (GRCh38, chr11:34,086,369, plus strand): 5'-CAATGCTGGATTTTGAAAATCAGACACTTGATCCTGCCATTGTATCTGCACAGCCTATGA[A>G]TCCAACACAAAACATGGACATGCCCCAGCTGGTTTGCCCTCCAGGTTAGTAGTGGTACAT-3'
Protein context (NP_005889.3, residues 386-406): DPAIVSAQPM[Asn396Ser]PTQNMDMPQL

ClinVar aggregate classification (germline): Uncertain significance (1 of 4 stars; one submission).

Conditions:
CAPRIN1-related disorder. Also called: CAPRIN1-related condition.

Submission:

PreventionGenetics, part of Exact Sciences
Classification: Uncertain significance for CAPRIN1-related condition. Last evaluated: 2025-04-29. Review status: criteria provided, single submitter. Criteria: ACMG Guidelines, 2015. Collection method: clinical testing. Allele origin: germline.
Comment: The CAPRIN1 c.1187A>G variant is predicted to result in the amino acid substitution p.Asn396Ser. To our knowledge, this variant has not been reported in the literature or in a large population database (gnomAD), indicating this variant is rare. At this time, the clinical significance of this variant is uncertain due to the absence of conclusive functional and genetic evidence.